The following is an entry in ClinVar:

NM_015046.7(SETX):c.3010A>G (p.Asn1004Asp)

Gene: SETX (senataxin; minus strand). Cytogenetic location: 9q34.13.
Variant type: single nucleotide variant.
Coding change: c.3010A>G on transcript NM_015046.7 (MANE Select); coding-DNA position 3010, A replaced by G.
Protein change: p.Asn1004Asp; replaces asparagine 1004 with aspartic acid.
Molecular consequence: missense variant.
Genome position (GRCh38, 1-based): chr9:132,328,588, T>C on the plus strand (A>G on the coding strand, the complement: SETX is on the minus strand). VCF-style: chr9-132328588-T-C. GRCh37 (hg19) VCF-style: chr9-135203975-T-C.
Other names: c.3010A>G, p.Asn1004Asp (NM_001351527.2, NM_001351528.2); short protein forms N1004D.
Identifiers: ClinVar variation 440267 (VCV000440267.26), dbSNP rs77984885, ClinGen allele CA5297500.

ClinVar aggregate classification (germline): Conflicting classifications of pathogenicity. Review status: criteria provided, conflicting classifications (1 of 4 stars). 7 submissions from 7 submitters: Uncertain significance (3); Benign (1); Likely benign (2). 1 of the submissions does not count toward it. Last evaluated 2026-09-05.

Conditions:
Spinocerebellar ataxia, autosomal recessive, with axonal neuropathy 2 (SCAN2). Also called: Ataxia-ocular apraxia-2; ATAXIA-OCULOMOTOR APRAXIA 2; Ataxia with Oculomotor Apraxia Type 2; Ataxia with Oculomotor Apraxia. Identifiers: Orphanet 64753, MedGen C1853761, MONDO:0018996, OMIM 606002.
Amyotrophic lateral sclerosis type 4 (ALS4). Also called: AMYOTROPHIC LATERAL SCLEROSIS 4, JUVENILE; NEURONOPATHY, DISTAL HEREDITARY MOTOR, WITH PYRAMIDAL FEATURES. Identifiers: Orphanet 357043, MedGen C1865409, MONDO:0011223, OMIM 602433.
Inborn genetic diseases. Identifiers: MedGen C0950123, MeSH D030342.
SETX-related disorder. Also called: SETX-related condition; SETX-related disorders. Identifiers: MedGen CN239403.

Allele frequency attached by ClinVar (database versions not stated): gnomAD exomes 0.00008 and 0.00019; ESP Exome Variant Server 0.00077; 1000 Genomes Project 0.00080; TOPMed 0.00083; ExAC 0.00023; gnomAD 0.00070 and 0.00075; 1000 Genomes Project 30x 0.00094.
gnomAD v4.1: 229 of 1,613,872 alleles (0.014%); highest among the groups gnomAD compares: African/African-American, 0.27%; no homozygotes.

Submissions (7):

GeneDx
Classification: Uncertain significance. Last evaluated: 2026-09-05. Review status: criteria provided, single submitter. Criteria: GeneDx Variant Classification Process June 2021. Collection method: clinical testing. Allele origin: germline.
Comment: In silico analysis suggests that this missense variant does not alter protein structure/function; Has not been previously published as pathogenic or benign to our knowledge

Women's Health and Genetics/Laboratory Corporation of America, LabCorp
Classification: Likely benign. Last evaluated: 2025-10-31. Review status: criteria provided, single submitter. Criteria: LabCorp Variant Classification Summary - May 2015. Collection method: clinical testing. Allele origin: germline.
Comment: Variant summary: SETX c.3010A>G (p.Asn1004Asp) results in a conservative amino acid change in the encoded protein sequence. Algorithms developed to predict the effect of missense changes on protein structure and function all suggest that this variant is likely to be tolerated. The variant allele was found at a frequency of 0.00019 in 250738 control chromosomes, predominantly at a frequency of 0.0026 within the African or African-American subpopulation in the gnomAD database. The observed variant frequency within African or African-American control individuals in the gnomAD database exceeds the estimated maximal expected allele frequency for disease-causing variants in SETX. To our knowledge, no occurrence of c.3010A>G in individuals affected with SETX-related conditions and no experimental evidence demonstrating its impact on protein function have been reported. ClinVar contains an entry for this variant (Variation ID: 440267). Based on the evidence outlined above, the variant was classified as likely benign.

Labcorp Genetics (formerly Invitae), Labcorp
Classification: Likely benign for Amyotrophic lateral sclerosis type 4; Spinocerebellar ataxia, autosomal recessive, with axonal neuropathy 2. Last evaluated: 2025-08-30. Review status: criteria provided, single submitter. Criteria: Invitae Variant Classification Sherloc (09022015). Collection method: clinical testing. Allele origin: germline.

Ambry Genetics
Classification: Uncertain significance for Inborn genetic diseases. Last evaluated: 2021-01-12. Review status: criteria provided, single submitter. Criteria: Ambry Variant Classification Scheme 2023. Collection method: clinical testing. Allele origin: germline.
Comment: The p.N1004D variant (also known as c.3010A>G), located in coding exon 8 of the SETX gene, results from an A to G substitution at nucleotide position 3010. The asparagine at codon 1004 is replaced by aspartic acid, an amino acid with highly similar properties. This amino acid position is not well conserved in available vertebrate species. In addition, this alteration is predicted to be tolerated by in silico analysis. Based on the supporting evidence, this variant is unlikely to be causative of autosomal dominant juvenile amyotrophic lateral sclerosis; however, its contribution to the development of autosomal recessive spinocerebellar ataxia with axonal neuropathy is uncertain.

Athena Diagnostics
Classification: Benign. Last evaluated: 2018-10-04. Review status: criteria provided, single submitter. Criteria: Athena Diagnostics Criteria. Collection method: clinical testing. Allele origin: germline.

ARUP Laboratories, Molecular Genetics and Genomics, ARUP Laboratories
Classification: Uncertain significance. Last evaluated: 2017-01-31. Review status: criteria provided, single submitter. Criteria: ARUP Molecular Germline Variant Investigation Process. Collection method: clinical testing. Allele origin: germline.

PreventionGenetics, part of Exact Sciences
Classification: Likely benign for SETX-related condition. Last evaluated: 2023-07-28. Review status: no assertion criteria provided. Collection method: clinical testing. Allele origin: germline. Not counted in ClinVar's aggregate classification.
Comment: This variant is classified as likely benign based on ACMG/AMP sequence variant interpretation guidelines (Richards et al. 2015 PMID: 25741868, with internal and published modifications).